The following is an entry in ClinVar:

NM_177438.3(DICER1):c.5656G>A (p.Gly1886Arg)

Gene: DICER1 (dicer 1, ribonuclease III; minus strand). Cytogenetic location: 14q32.13.
Variant type: single nucleotide variant.
Coding change: c.5656G>A on transcript NM_177438.3 (MANE Select); coding-DNA position 5656, G replaced by A.
Protein change: p.Gly1886Arg; replaces glycine 1886 with arginine.
Molecular consequence: missense variant. On other transcripts: 3 prime UTR variant (1).
Genome position (GRCh38, 1-based): chr14:95,090,611, C>T on the plus strand (G>A on the coding strand, the complement: DICER1 is on the minus strand). VCF-style: chr14-95090611-C-T. GRCh37 (hg19) VCF-style: chr14-95556948-C-T.
Other names: NM_177438.3(DICER1):c.5656G>A; p.Gly1886Arg; c.*3G>A (NM_001195573.1); c.5656G>A, p.Gly1886Arg (NM_001271282.3, NM_001291628.2, NM_030621.4); short protein forms G1886R.
Identifiers: ClinVar variation 653922 (VCV000653922.17), dbSNP rs1566744851, ClinGen allele CA390863446.

ClinVar aggregate classification (germline): Uncertain significance. Review status: reviewed by expert panel (3 of 4 stars). 4 submissions from 4 submitters: Uncertain significance (1). 3 of the submissions do not count toward it. Last evaluated 2026-11-03.

Conditions:
DICER1-related tumor predisposition. Also called: DICER1 syndrome; DICER1-related pleuropulmonary blastoma cancer predisposition syndrome. Identifiers: Orphanet 284343, MedGen C3839822, MONDO:0100216.
Hereditary cancer-predisposing syndrome. Also called: Tumor predisposition; Hereditary Cancer Syndrome; Hereditary neoplastic syndrome; Neoplastic Syndromes, Hereditary. Identifiers: Orphanet 140162, MedGen C0027672, MeSH D009386, MONDO:0015356.

gnomAD v4.1: 1 of 1,614,188 alleles (0.000062%); highest among the groups gnomAD compares: Non-Finnish European, 0.000085%; no homozygotes.

Submissions (4):

ClinGen DICER1 and miRNA-Processing Gene Variant Curation Expert Panel, ClinGen
Classification: Uncertain significance for DICER1-related tumor predisposition. Last evaluated: 2026-11-03. Review status: reviewed by expert panel. Criteria: ClinGen DICER1 and miRNA-Processing Gene Expert Panel Specifications to the ACMG/AMP Variant Interpretation Guidelines for DICER1 Version 1.4. Collection method: curation. Allele origin: germline. Inheritance: Autosomal dominant inheritance.
Comment: The NM_177438.3:c.5656G>A variant in DICER1 is a missense variant predicted to cause substitution of glycine by arginine at amino acid 1886. This variant has an allele frequency of 0.000000847 (1/1180038 alleles) across gnomAD v4.1.1 with no more than one allele in any subpopulation, which is lower than the ClinGen DICER1 VCEP threshold (<0.000005) for PM2_Supporting, and therefore meets this criterion (PM2_Supporting). The computational predictor REVEL gives a score of 0.572 which is neither above nor below the thresholds predicting a damaging or benign impact on DICER1 function (PP3 and BP4 not met). Although this variant has been observed in individuals undergoing genetic sequencing, to our knowledge, this variant has not been reported in individuals with DICER1-related tumor predisposition (PS4 not met; PMIDs, ClinVar GTRs, Internal lab contributors). In summary, this variant meets the criteria to be classified as a Uncertain Significance for DICER1-related tumor predisposition based on the ACMG/AMP criteria applied, as specified by the ClinGen DICER1 and miRNA-Processing Gene VCEP: PM2_Supporting (VCEP specifications version 1.4.0). Based on Tavtigian et al 2020 (PMID:32720330), the total points applied = 1, which equates to a classification of Uncertain Significance.

Ambry Genetics
Classification: Uncertain significance for Hereditary cancer-predisposing syndrome. Last evaluated: 2024-04-25. Review status: criteria provided, single submitter. Criteria: Ambry Variant Classification Scheme 2023. Collection method: clinical testing. Allele origin: germline. Not counted in ClinVar's aggregate classification.
Comment: The p.G1886R variant (also known as c.5656G>A), located in coding exon 26 of the DICER1 gene, results from a G to A substitution at nucleotide position 5656. The glycine at codon 1886 is replaced by arginine, an amino acid with dissimilar properties. This amino acid position is highly conserved in available vertebrate species. In addition, this alteration is predicted to be deleterious by in silico analysis. Based on the available evidence, the clinical significance of this variant remains unclear.

Labcorp Genetics (formerly Invitae), Labcorp
Classification: Uncertain significance for DICER1-related tumor predisposition. Last evaluated: 2022-03-10. Review status: criteria provided, single submitter. Criteria: Invitae Variant Classification Sherloc (09022015). Collection method: clinical testing. Allele origin: germline. Not counted in ClinVar's aggregate classification.
Comment: This sequence change replaces glycine, which is neutral and non-polar, with arginine, which is basic and polar, at codon 1886 of the DICER1 protein (p.Gly1886Arg). In summary, the available evidence is currently insufficient to determine the role of this variant in disease. Therefore, it has been classified as a Variant of Uncertain Significance. Algorithms developed to predict the effect of missense changes on protein structure and function are either unavailable or do not agree on the potential impact of this missense change (SIFT: "Tolerated"; PolyPhen-2: "Probably Damaging"; Align-GVGD: "Class C0"). ClinVar contains an entry for this variant (Variation ID: 653922). This missense change has been observed in individual(s) with Wilms tumor (PMID: 25670083). This variant is not present in population databases (gnomAD no frequency).

Foulkes Cancer Genetics LDI, Lady Davis Institute for Medical Research
Classification: Likely pathogenic for Pleuropulmonary blastoma. Last evaluated: 2019-07-01. Review status: criteria provided, single submitter. Criteria: ACMG Guidelines, 2015. Collection method: curation. Allele origin: germline. Affected: yes. Observed: 1 variant allele. Not counted in ClinVar's aggregate classification.
Comment: ACMG criteria met: PS1, PM1, PM2, BP1

Literature cited by the submitters: PubMed 25670083 (cited by Labcorp Genetics (formerly Invitae), Labcorp and Foulkes Cancer Genetics LDI, Lady Davis Institute for Medical Research).